The following is an entry in ClinVar:

NM_013275.6(ANKRD11):c.2350G>C (p.Glu784Gln)

Gene: ANKRD11 (ankyrin repeat domain 11; minus strand). Cytogenetic location: 16q24.3.
Variant type: single nucleotide variant.
Coding change: c.2350G>C on transcript NM_013275.6 (MANE Select); coding-DNA position 2350, G replaced by C.
Protein change: p.Glu784Gln; replaces glutamic acid 784 with glutamine.
Molecular consequence: missense variant.
Genome position (GRCh38, 1-based): chr16:89,284,192, C>G on the plus strand (G>C on the coding strand, the complement: ANKRD11 is on the minus strand). VCF-style: chr16-89284192-C-G. GRCh37 (hg19) VCF-style: chr16-89350600-C-G.
Other names: c.2350G>C, p.Glu784Gln (NM_001256182.2, NM_001256183.2); short protein forms E784Q.
Identifiers: ClinVar variation 4764053 (VCV004764053.1).

ClinVar aggregate classification (germline): Uncertain significance (1 of 4 stars; one submission).

Conditions:
KBG syndrome (KBGS). Also called: ANKRD11-Related KBG Syndrome. Identifiers: Orphanet 2332, MedGen C0220687, MONDO:0007846, OMIM 148050.

gnomAD v4.1: 1 of 1,610,894 alleles (0.000062%); highest among the groups gnomAD compares: African/African-American, 0.0013%; no homozygotes.

Submission:

Labcorp Genetics (formerly Invitae), Labcorp
Classification: Uncertain significance for KBG syndrome. Last evaluated: 2025-03-30. Review status: criteria provided, single submitter. Criteria: Invitae Variant Classification Sherloc (09022015). Collection method: clinical testing. Allele origin: germline.
Comment: This sequence change replaces glutamic acid, which is acidic and polar, with glutamine, which is neutral and polar, at codon 784 of the ANKRD11 protein (p.Glu784Gln). This variant is not present in population databases (gnomAD no frequency). This variant has not been reported in the literature in individuals affected with ANKRD11-related conditions. Invitae Evidence Modeling of protein sequence and biophysical properties (such as structural, functional, and spatial information, amino acid conservation, physicochemical variation, residue mobility, and thermodynamic stability) indicates that this missense variant is not expected to disrupt ANKRD11 protein function with a negative predictive value of 95%. In summary, the available evidence is currently insufficient to determine the role of this variant in disease. Therefore, it has been classified as a Variant of Uncertain Significance.